The following is an entry in ClinVar:

ClinVar aggregate classification (germline): Benign. Review status: criteria provided, multiple submitters, no conflicts (2 of 4 stars). 7 submissions from 6 submitters: Benign (6). 1 of the submissions does not count toward it. Last evaluated 2022-05-05.

Conditions:
Meckel syndrome, type 6. Identifiers: Orphanet 564, MedGen C2676790, MONDO:0012848, OMIM 612284.
Joubert syndrome 9 (JBTS9). Identifiers: Orphanet 2318, MedGen C2676788, MONDO:0012849, OMIM 612285.

Allele frequency attached by ClinVar (database versions not stated): 1000 Genomes Project 0.48602; 1000 Genomes Project 30x 0.48829; TOPMed 0.52229; gnomAD 0.52710 and 0.52969; ESP Exome Variant Server 0.53268; gnomAD exomes 0.54843 and 0.55302; ExAC 0.59678.
gnomAD v4.1: 860,435 of 1,564,506 alleles (55%); highest among the groups gnomAD compares: Admixed American, 60%; 238,801 homozygotes.

Submissions (7):

Mayo Clinic Laboratories, Mayo Clinic
Classification: Benign. Last evaluated: 2022-05-05. Review status: criteria provided, single submitter. Criteria: ACMG Guidelines, 2015. Collection method: clinical testing. Allele origin: germline. Observed: 425 variant alleles.

Genome-Nilou Lab
Classification: Benign for Joubert syndrome 9. Last evaluated: 2021-07-14. Review status: criteria provided, single submitter. Criteria: ACMG Guidelines, 2015. Collection method: clinical testing. Allele origin: germline. Affected: no.

Genome-Nilou Lab
Classification: Benign for Meckel syndrome, type 6. Last evaluated: 2021-07-14. Review status: criteria provided, single submitter. Criteria: ACMG Guidelines, 2015. Collection method: clinical testing. Allele origin: germline. Affected: no.

GeneDx
Classification: Benign. Last evaluated: 2018-06-26. Review status: criteria provided, single submitter. Criteria: GeneDx Variant Classification Process June 2021. Collection method: clinical testing. Allele origin: germline. Affected: yes.

Breakthrough Genomics
Classification: Benign. Review status: criteria provided, single submitter. Criteria: ACMG Guidelines, 2015. Collection method: not provided. Allele origin: germline. Inheritance: Autosomal recessive inheritance. Affected: yes.

PreventionGenetics, part of Exact Sciences
Classification: Benign. Review status: criteria provided, single submitter. Criteria: ACMG Guidelines, 2015. Collection method: clinical testing. Allele origin: germline.

Genetic Services Laboratory, University of Chicago
Classification: Likely benign for AllHighlyPenetrant. Review status: no assertion criteria provided. Collection method: clinical testing. Allele origin: germline. Inheritance: Autosomal recessive inheritance. Observed: 268 variant alleles. Not counted in ClinVar's aggregate classification.
Comment: Likely benign based on allele frequency in 1000 Genomes Project or ESP global frequency and its presence in a patient with a rare or unrelated disease phenotype. NOT Sanger confirmed.

NM_001378615.1(CC2D2A):c.1765-24A>G

Genes: CC2D2A (coiled-coil and C2 domain containing 2A; plus strand), FBXL5 (F-box and leucine rich repeat protein 5; minus strand). Cytogenetic location: 4p15.32.
Variant type: single nucleotide variant.
Coding change: c.1765-24A>G on transcript NM_001378615.1 (MANE Select); 24 bases into the intron before coding-DNA position 1765, A replaced by G.
Molecular consequence: intron variant.
Genome position (GRCh38, 1-based): chr4:15,537,875, A>G. VCF-style: chr4-15537875-A-G. GRCh37 (hg19) VCF-style: chr4-15539498-A-G.
Other names: p.?; c.1765-24A>G (NM_001080522.2); c.1618-24A>G (NM_001378617.1).
Identifiers: ClinVar variation 126231 (VCV000126231.15), dbSNP rs1861044, ClinGen allele CA150858.